The following is an entry in ClinVar:

ClinVar aggregate classification (germline): Likely pathogenic (1 of 4 stars; one submission).

Submission:

CeGaT Center for Human Genetics Tuebingen
Classification: Likely pathogenic. Last evaluated: 2023-10-01. Review status: criteria provided, single submitter. Criteria: CeGaT Center For Human Genetics Tuebingen Variant Classification Criteria Version 2. Collection method: clinical testing. Allele origin: germline. Affected: yes. Observed: 1 variant allele.
Comment: SACS: PVS1:Strong, PM2

NM_014363.6(SACS):c.5037T>A (p.Cys1679Ter)

Gene: SACS (sacsin molecular chaperone; minus strand). Cytogenetic location: 13q12.12.
Variant type: single nucleotide variant.
Coding change: c.5037T>A on transcript NM_014363.6 (MANE Select); coding-DNA position 5037, T replaced by A.
Protein change: p.Cys1679Ter; replaces cysteine 1679 with a stop codon.
Molecular consequence: nonsense.
Genome position (GRCh38, 1-based): chr13:23,338,839, A>T on the plus strand (T>A on the coding strand, the complement: SACS is on the minus strand). VCF-style: chr13-23338839-A-T. GRCh37 (hg19) VCF-style: chr13-23912978-A-T.
Other names: c.4596T>A, p.Cys1532Ter (NM_001278055.2); short protein forms C1532*, C1679*.
Identifiers: ClinVar variation 2643674 (VCV002643674.24), dbSNP rs2542272507, ClinGen allele CA387526846.